The following is an entry in ClinVar:

ClinVar aggregate classification (germline): Likely benign. Review status: criteria provided, multiple submitters, no conflicts (2 of 4 stars). 3 submissions from 3 submitters: Likely benign (3). Last evaluated 2025-10-29.

Allele frequency attached by ClinVar (database versions not stated): gnomAD exomes 0.00001; gnomAD 0.00003; TOPMed 0.00004; ExAC 0.00007; ESP Exome Variant Server 0.00016.
gnomAD v4.1: 22 of 1,587,918 alleles (0.0014%); highest among the groups gnomAD compares: Non-Finnish European, 0.0019%; no homozygotes.

Submissions (3):

Labcorp Genetics (formerly Invitae), Labcorp
Classification: Likely benign. Last evaluated: 2025-10-29. Review status: criteria provided, single submitter. Criteria: Invitae Variant Classification Sherloc (09022015). Collection method: clinical testing. Allele origin: germline.

Mayo Clinic Laboratories, Mayo Clinic
Classification: Likely benign. Last evaluated: 2025-07-21. Review status: criteria provided, single submitter. Criteria: ACMG Guidelines, 2015. Collection method: clinical testing. Allele origin: germline. Observed: 1 variant allele.
Comment: BP4, BP7

Women's Health and Genetics/Laboratory Corporation of America, LabCorp
Classification: Likely benign. Last evaluated: 2025-02-17. Review status: criteria provided, single submitter. Criteria: LabCorp Variant Classification Summary - May 2015. Collection method: clinical testing. Allele origin: germline.

NM_001129.5(AEBP1):c.852G>A (p.Glu284=)

Gene: AEBP1 (AE binding protein 1; plus strand). Cytogenetic location: 7p13.
Variant type: single nucleotide variant.
Coding change: c.852G>A on transcript NM_001129.5 (MANE Select); coding-DNA position 852, G replaced by A.
Protein change: p.Glu284=; no amino-acid change (glutamic acid 284 retained).
Molecular consequence: synonymous variant.
Genome position (GRCh38, 1-based): chr7:44,107,921, G>A. VCF-style: chr7-44107921-G-A. GRCh37 (hg19) VCF-style: chr7-44147520-G-A.
Other names: p.Glu284=.
Identifiers: ClinVar variation 1542274 (VCV001542274.10), dbSNP rs374676651, ClinGen allele CA4237648.
Genomic context (GRCh38, chr7:44,107,921, plus strand): 5'-GAGGCCCGAGCGGGTCTGGCCAGAGCCCCCTGAGGAGAAGGCCCCGGCCCCAGCCCCGGA[G>A]GAGAGGATTGGTAGGATGGGGGGCAGGAGAGGAGGTGCCATGGCCACGGCGCTCTGGCCC-3'
Protein context (NP_001120.3, residues 274-294): PEEKAPAPAP[Glu284=]ERIEPPVKPL